The following is an entry in ClinVar:

ClinVar aggregate classification (germline): Uncertain significance. Review status: criteria provided, multiple submitters, no conflicts (2 of 4 stars). 2 submissions from 2 submitters: Uncertain significance (2). Last evaluated 2024-01-08.

Conditions:
Amyotrophic lateral sclerosis type 1 (ALS1). Also called: AMYOTROPHIC LATERAL SCLEROSIS 1, FAMILIAL. Identifiers: Orphanet 803, MedGen C1862939, MONDO:0007103, OMIM 105400.

Submissions (2):

3billion
Classification: Uncertain significance for Amyotrophic lateral sclerosis type 1. Last evaluated: 2024-01-08. Review status: criteria provided, single submitter. Criteria: ACMG Guidelines, 2015. Collection method: clinical testing. Allele origin: germline. Affected: yes.
Comment: The variant is not observed in the gnomAD v2.1.1 dataset. Predicted Consequence/Location: Missense changes are a common disease-causing mechanism. In silico tool predictions suggest damaging effect of the variant on gene or gene product [3Cnet: 0.83 (>=0.6, sensitivity 0.72 and precision 0.9)]. A different missense change at the same codon (p.Val48Phe) has been reported to be associated with SOD1-related disorder (PMID: 14506936). However, the evidence of pathogenicity is insufficient at this time. Therefore, this variant is classified as VUS according to the recommendation of ACMG/AMP guideline.

GeneDx
Classification: Uncertain significance. Last evaluated: 2023-06-13. Review status: criteria provided, single submitter. Criteria: GeneDx Variant Classification Process June 2021. Collection method: clinical testing. Allele origin: germline. Affected: yes.
Comment: Not observed at significant frequency in large population cohorts (gnomAD); In silico analysis supports that this missense variant does not alter protein structure/function; Has not been previously published as pathogenic or benign to our knowledge

Literature cited by the submitters: PubMed 14506936 (cited by 3billion).

NM_000454.5(SOD1):c.142G>A (p.Val48Ile)

Gene: SOD1 (superoxide dismutase 1; plus strand). Cytogenetic location: 21q22.11.
Variant type: single nucleotide variant.
Coding change: c.142G>A on transcript NM_000454.5 (MANE Select); coding-DNA position 142, G replaced by A.
Protein change: p.Val48Ile; replaces valine 48 with isoleucine.
Molecular consequence: missense variant.
Genome position (GRCh38, 1-based): chr21:31,663,859, G>A. VCF-style: chr21-31663859-G-A. GRCh37 (hg19) VCF-style: chr21-33036172-G-A.
Other names: short protein forms V48I.
Identifiers: ClinVar variation 3359787 (VCV003359787.2).